The following is an entry in ClinVar:

NM_015450.3(POT1):c.1369G>A (p.Gly457Arg)

Gene: POT1 (protection of telomeres 1; minus strand). Cytogenetic location: 7q31.33.
Variant type: single nucleotide variant.
Coding change: c.1369G>A on transcript NM_015450.3 (MANE Select); coding-DNA position 1369, G replaced by A.
Protein change: p.Gly457Arg; replaces glycine 457 with arginine.
Molecular consequence: missense variant. On other transcripts: non-coding transcript variant (3).
Genome position (GRCh38, 1-based): chr7:124,840,973, C>T on the plus strand (G>A on the coding strand, the complement: POT1 is on the minus strand). VCF-style: chr7-124840973-C-T. GRCh37 (hg19) VCF-style: chr7-124481027-C-T.
Other names: c.976G>A, p.Gly326Arg (NM_001042594.2); short protein forms G326R, G457R.
Identifiers: ClinVar variation 1770994 (VCV001770994.6), dbSNP rs2116460981, ClinGen allele CA369066565.

ClinVar aggregate classification (germline): Uncertain significance. Review status: criteria provided, multiple submitters, no conflicts (2 of 4 stars). 2 submissions from 2 submitters: Uncertain significance (2). Last evaluated 2026-02-05.

Conditions:
Tumor predisposition syndrome 3 (TPDS3). Also called: Melanoma, cutaneous malignant, susceptibility to, 10; Glioma susceptibility 9; LONG TELOMERE SYNDROME, POT1-RELATED; POT1 Tumor Predisposition. Identifiers: Orphanet 618, MedGen C4014476, MONDO:0014368, OMIM 615848.
Hereditary cancer-predisposing syndrome. Also called: Hereditary Cancer Syndrome; Hereditary neoplastic syndrome; Neoplastic Syndromes, Hereditary; Tumor predisposition. Identifiers: Orphanet 140162, MedGen C0027672, MeSH D009386, MONDO:0015356.

Allele frequency attached by ClinVar (database versions not stated): gnomAD exomes below 0.00001.
gnomAD v4.1: 1 of 1,587,712 alleles (0.000063%); highest among the groups gnomAD compares: Non-Finnish European, 0.000086%; no homozygotes.

Submissions (2):

Ambry Genetics
Classification: Uncertain significance for Hereditary cancer-predisposing syndrome. Last evaluated: 2026-02-05. Review status: criteria provided, single submitter. Criteria: Ambry Variant Classification Scheme 2023. Collection method: clinical testing. Allele origin: germline.
Comment: The c.1369G>A variant (also known as p.G457R), located in coding exon 10 of the POT1 gene, results from a G to A substitution at nucleotide position 1369. The amino acid change results in glycine to arginine at codon 457, an amino acid with dissimilar properties. However, this change occurs in the last base pair of coding exon 10, which makes it likely to have some effect on normal mRNA splicing. This nucleotide position is highly conserved in available vertebrate species. This amino acid position is highly conserved in available vertebrate species. In silico splice site analysis predicts that this alteration will weaken the native splice donor site. In addition, as a missense substitution this is predicted to be deleterious by in silico analysis. Based on the available evidence, the clinical significance of this variant remains unclear.

Labcorp Genetics (formerly Invitae), Labcorp
Classification: Uncertain significance for Tumor predisposition syndrome 3. Last evaluated: 2023-01-02. Review status: criteria provided, single submitter. Criteria: Invitae Variant Classification Sherloc (09022015). Collection method: clinical testing. Allele origin: germline.
Comment: In summary, the available evidence is currently insufficient to determine the role of this variant in disease. Therefore, it has been classified as a Variant of Uncertain Significance. Variants that disrupt the consensus splice site are a relatively common cause of aberrant splicing (PMID: 17576681, 9536098). Studies have shown that this missense change is associated with altered splicing resulting in unknown protein product impact (Invitae). Algorithms developed to predict the effect of missense changes on protein structure and function (SIFT, PolyPhen-2, Align-GVGD) all suggest that this variant is likely to be disruptive. ClinVar contains an entry for this variant (Variation ID: 1770994). This variant has not been reported in the literature in individuals affected with POT1-related conditions. This variant is not present in population databases (gnomAD no frequency). This sequence change replaces glycine, which is neutral and non-polar, with arginine, which is basic and polar, at codon 457 of the POT1 protein (p.Gly457Arg). This variant also falls at the last nucleotide of exon 14, which is part of the consensus splice site for this exon.

Literature cited by the submitters: PubMed 17576681 (cited by Labcorp Genetics (formerly Invitae), Labcorp); PubMed 9536098 (cited by Labcorp Genetics (formerly Invitae), Labcorp).